The following is an entry in ClinVar:

ClinVar aggregate classification (germline): Uncertain significance (1 of 4 stars; one submission).

Conditions:
Hereditary cancer-predisposing syndrome. Also called: Neoplastic Syndromes, Hereditary; Tumor predisposition; Hereditary Cancer Syndrome; Hereditary neoplastic syndrome. Identifiers: Orphanet 140162, MedGen C0027672, MeSH D009386, MONDO:0015356.

Submission:

Ambry Genetics
Classification: Uncertain significance for Hereditary cancer-predisposing syndrome. Last evaluated: 2026-05-29. Review status: criteria provided, single submitter. Criteria: Ambry Variant Classification Scheme 2023. Collection method: clinical testing. Allele origin: germline.
Comment: The p.K687E variant (also known as c.2059A>G), located in coding exon 12 of the ATM gene, results from an A to G substitution at nucleotide position 2059. The lysine at codon 687 is replaced by glutamic acid, an amino acid with similar properties. In an assay testing ATM function, this variant showed a functionally normal result (Lee KS et al. Cell, 2025 Sep;188:5081-5099.e27). This amino acid position is well conserved in available vertebrate species. In addition, the in silico prediction for this alteration is inconclusive. Based on the available evidence, the clinical significance of this variant remains unclear.

Literature cited by the submitters: PubMed 40580951.

NM_000051.4(ATM):c.2059A>G (p.Lys687Glu)

Gene: ATM (ATM serine/threonine kinase; plus strand). Cytogenetic location: 11q22.3.
Variant type: single nucleotide variant.
Coding change: c.2059A>G on transcript NM_000051.4 (MANE Select); coding-DNA position 2059, A replaced by G.
Protein change: p.Lys687Glu; replaces lysine 687 with glutamic acid.
Molecular consequence: missense variant.
Genome position (GRCh38, 1-based): chr11:108,253,974, A>G. VCF-style: chr11-108253974-A-G. GRCh37 (hg19) VCF-style: chr11-108124701-A-G.
Other names: c.2059A>G, p.Lys687Glu (NM_001351834.2); short protein forms K687E.
Identifiers: ClinVar variation 4867087 (VCV004867087.1).